The following is an entry in ClinVar:

NM_005359.6(SMAD4):c.768G>A (p.Gln256=)

Gene: SMAD4 (SMAD family member 4; plus strand). Cytogenetic location: 18q21.2.
Variant type: single nucleotide variant.
Coding change: c.768G>A on transcript NM_005359.6 (MANE Select); coding-DNA position 768, G replaced by A.
Protein change: p.Gln256=; no amino-acid change (glutamine 256 retained).
Molecular consequence: synonymous variant.
Genome position (GRCh38, 1-based): chr18:51,058,225, G>A. VCF-style: chr18-51058225-G-A. GRCh37 (hg19) VCF-style: chr18-48584595-G-A.
Identifiers: ClinVar variation 492494 (VCV000492494.21), dbSNP rs755677513, ClinGen allele CA8965896.

ClinVar aggregate classification (germline): Benign/Likely benign. Review status: criteria provided, multiple submitters, no conflicts (2 of 4 stars). 6 submissions from 6 submitters: Benign (1); Likely benign (5). Last evaluated 2025-12-30.

Conditions:
Juvenile polyposis/hereditary hemorrhagic telangiectasia syndrome (JPHT). Also called: Juvenile Polyposis Syndrome / Hereditary Hemorrhagic Telangiectasia (JPS/HHT); JP/HHT SYNDROME; JUVENILE POLYPOSIS WITH HEREDITARY HEMORRHAGIC TELANGIECTASIA; POLYPOSIS, GENERALIZED JUVENILE, WITH PULMONARY ARTERIOVENOUS MALFORMATION; TELANGIECTASIA, HEREDITARY HEMORRHAGIC, WITH JUVENILE POLYPOSIS COLI. Identifiers: Orphanet 2929, MedGen C1832942, MONDO:0008278, OMIM 175050.
Juvenile polyposis syndrome (JPS). Identifiers: Orphanet 2929, MedGen C0345893, MONDO:0017380, OMIM 174900.
Familial thoracic aortic aneurysm and aortic dissection (TAAD). Also called: Thoracic aortic aneurysms and dissections. Identifiers: Orphanet 91387, MedGen C4707243, MONDO:0019625.
Hereditary cancer-predisposing syndrome. Also called: Tumor predisposition; Hereditary Cancer Syndrome; Neoplastic Syndromes, Hereditary; Hereditary neoplastic syndrome. Identifiers: Orphanet 140162, MedGen C0027672, MeSH D009386, MONDO:0015356.

Allele frequency attached by ClinVar (database versions not stated): TOPMed below 0.00001; ExAC 0.00001; gnomAD 0.00001; gnomAD exomes 0.00001 and 0.00002.
gnomAD v4.1: 18 of 1,614,060 alleles (0.0011%); highest among the groups gnomAD compares: Middle Eastern, 0.099%; no homozygotes.

Submissions (6):

Labcorp Genetics (formerly Invitae), Labcorp
Classification: Likely benign for Juvenile polyposis syndrome. Last evaluated: 2025-12-30. Review status: criteria provided, single submitter. Criteria: Invitae Variant Classification Sherloc (09022015). Collection method: clinical testing. Allele origin: germline.

Myriad Genetics, Inc.
Classification: Benign for Juvenile polyposis/hereditary hemorrhagic telangiectasia syndrome. Last evaluated: 2025-03-19. Review status: criteria provided, single submitter. Criteria: Myriad Autosomal Dominant, Autosomal Recessive and X-Linked Classification Criteria (2023). Collection method: clinical testing. Allele origin: unknown.
Comment: This variant is considered benign. This variant is a silent/synonymous amino acid change and it is not expected to impact splicing.

All of Us Research Program, National Institutes of Health
Classification: Likely benign for Juvenile polyposis/hereditary hemorrhagic telangiectasia syndrome. Last evaluated: 2024-02-22. Review status: criteria provided, single submitter. Criteria: ACMG Guidelines, 2015. Collection method: clinical testing. Allele origin: germline. Inheritance: Autosomal dominant inheritance. Observed: 1 variant allele, 1 heterozygote.
Comment: This study involves interpretation of variants in research participants for the purpose of population health screening. Participant phenotype was not available at the time of variant classification. Additional details can be found in publication PMID: 35346344, PMCID: PMC8962531

Blueprint Genetics
Classification: Likely benign. Last evaluated: 2024-02-13. Review status: criteria provided, single submitter. Criteria: ACMG Guidelines, 2015. Collection method: clinical testing. Allele origin: germline.

Color Diagnostics, LLC DBA Color Health
Classification: Likely benign for Hereditary cancer-predisposing syndrome. Last evaluated: 2017-04-27. Review status: criteria provided, single submitter. Criteria: ACMG Guidelines, 2015. Collection method: clinical testing. Allele origin: germline.

Ambry Genetics
Classification: Likely benign for Hereditary cancer-predisposing syndrome; Familial thoracic aortic aneurysm and aortic dissection. Last evaluated: 2016-12-14. Review status: criteria provided, single submitter. Criteria: Ambry Variant Classification Scheme 2023. Collection method: clinical testing. Allele origin: germline.